The following is an entry in ClinVar:

NM_000501.4(ELN):c.1747+15G>C

Genes: ELN-AS1 (ELN antisense RNA 1; minus strand), ELN (elastin; plus strand). Cytogenetic location: 7q11.23.
Variant type: single nucleotide variant.
Coding change: c.1747+15G>C on transcript NM_000501.4 (MANE Select); 15 bases into the intron after coding-DNA position 1747, G replaced by C.
Molecular consequence: intron variant. On other transcripts: missense variant (1).
Genome position (GRCh38, 1-based): chr7:74,060,516, G>C. VCF-style: chr7-74060516-G-C. GRCh37 (hg19) VCF-style: chr7-73474846-G-C.
Other names: c.1849G>C, p.Val617Leu (NM_001278939.2); c.1762+15G>C (NM_001081754.3); c.1705+15G>C (NM_001081753.3); c.1765+15G>C (NM_001278915.2); c.1747+15G>C (NM_001278912.2); c.1690+15G>C (NM_001081755.3); c.1603+15G>C (NM_001278916.2); c.1504+15G>C (NM_001278913.2); and 4 more; short protein forms V617L.
Identifiers: ClinVar variation 2990896 (VCV002990896.3), dbSNP rs1554683736, ClinGen allele CA367887131.

ClinVar aggregate classification (germline): Uncertain significance (1 of 4 stars; one submission).

Conditions:
Supravalvar aortic stenosis (SVAS). Also called: Supravalvar aortic stenosis, Eisenberg type. Identifiers: Orphanet 3193, MedGen C0003499, MONDO:0008504, OMIM 185500, HP:0004381.

Submission:

Labcorp Genetics (formerly Invitae), Labcorp
Classification: Uncertain significance for Supravalvar aortic stenosis. Last evaluated: 2022-10-29. Review status: criteria provided, single submitter. Criteria: Invitae Variant Classification Sherloc (09022015). Collection method: clinical testing. Allele origin: germline.
Comment: In summary, the available evidence is currently insufficient to determine the role of this variant in disease. Therefore, it has been classified as a Variant of Uncertain Significance. This sequence change replaces valine, which is neutral and non-polar, with leucine, which is neutral and non-polar, at codon 617 of the ELN protein (p.Val617Leu). This variant is not present in population databases (gnomAD no frequency). This variant has not been reported in the literature in individuals affected with ELN-related conditions. Algorithms developed to predict the effect of missense changes on protein structure and function are either unavailable or do not agree on the potential impact of this missense change (SIFT: "Tolerated"; PolyPhen-2: "Not Available"; Align-GVGD: "Class C0").